The following is an entry in ClinVar:

ClinVar aggregate classification (germline): Uncertain significance (1 of 4 stars; one submission).

gnomAD v4.1: 3 of 1,582,114 alleles (0.00019%); highest among the groups gnomAD compares: African/African-American, 0.0027%; no homozygotes.

Submission:

Labcorp Genetics (formerly Invitae), Labcorp
Classification: Uncertain significance. Last evaluated: 2025-01-27. Review status: criteria provided, single submitter. Criteria: Invitae Variant Classification Sherloc (09022015). Collection method: clinical testing. Allele origin: germline.
Comment: This sequence change replaces proline, which is neutral and non-polar, with serine, which is neutral and polar, at codon 477 of the COL9A2 protein (p.Pro477Ser). The frequency data for this variant in the population databases is considered unreliable, as metrics indicate poor data quality at this position in the gnomAD database. This variant has not been reported in the literature in individuals affected with COL9A2-related conditions. Invitae Evidence Modeling of protein sequence and biophysical properties (such as structural, functional, and spatial information, amino acid conservation, physicochemical variation, residue mobility, and thermodynamic stability) indicates that this missense variant is not expected to disrupt COL9A2 protein function with a negative predictive value of 95%. In summary, the available evidence is currently insufficient to determine the role of this variant in disease. Therefore, it has been classified as a Variant of Uncertain Significance.

NM_001852.4(COL9A2):c.1429C>T (p.Pro477Ser)

Gene: COL9A2 (collagen type IX alpha 2 chain; minus strand). Cytogenetic location: 1p34.2.
Variant type: single nucleotide variant.
Coding change: c.1429C>T on transcript NM_001852.4 (MANE Select); coding-DNA position 1429, C replaced by T.
Protein change: p.Pro477Ser; replaces proline 477 with serine.
Molecular consequence: missense variant.
Genome position (GRCh38, 1-based): chr1:40,303,649, G>A on the plus strand (C>T on the coding strand, the complement: COL9A2 is on the minus strand). VCF-style: chr1-40303649-G-A. GRCh37 (hg19) VCF-style: chr1-40769321-G-A.
Other names: short protein forms P477S.
Identifiers: ClinVar variation 3633531 (VCV003633531.2).